The following is an entry in ClinVar:

ClinVar aggregate classification (germline): Uncertain significance (1 of 4 stars; one submission).

Submission:

Ambry Genetics
Classification: Uncertain significance. Last evaluated: 2024-05-10. Review status: criteria provided, single submitter. Criteria: Ambry Variant Classification Scheme 2023. Collection method: clinical testing. Allele origin: germline.
Comment: The p.T1322P variant (also known as c.3964A>C), located in coding exon 8 of the MLH3 gene, results from an A to C substitution at nucleotide position 3964. The threonine at codon 1322 is replaced by proline, an amino acid with highly similar properties. This amino acid position is conserved. In addition, the in silico prediction for this alteration is inconclusive. Based on the available evidence, the clinical significance of this variant remains unclear.

NM_001040108.2(MLH3):c.3964A>C (p.Thr1322Pro)

Gene: MLH3 (mutL homolog 3; minus strand). Cytogenetic location: 14q24.3.
Variant type: single nucleotide variant.
Coding change: c.3964A>C on transcript NM_001040108.2 (MANE Select); coding-DNA position 3964, A replaced by C.
Protein change: p.Thr1322Pro; replaces threonine 1322 with proline.
Molecular consequence: missense variant.
Genome position (GRCh38, 1-based): chr14:75,030,566, T>G on the plus strand (A>C on the coding strand, the complement: MLH3 is on the minus strand). VCF-style: chr14-75030566-T-G. GRCh37 (hg19) VCF-style: chr14-75497269-T-G.
Other names: c.3892A>C, p.Thr1298Pro (NM_014381.3); short protein forms T1322P, T1298P.
Identifiers: ClinVar variation 3295136 (VCV003295136.1).